The following is an entry in ClinVar:

ClinVar aggregate classification (germline): Benign/Likely benign. Review status: criteria provided, multiple submitters, no conflicts (2 of 4 stars). 5 submissions from 5 submitters: Benign (1); Likely benign (4). Last evaluated 2025-09-01.

Conditions:
Hereditary cancer-predisposing syndrome. Also called: Tumor predisposition; Neoplastic Syndromes, Hereditary; Hereditary Cancer Syndrome; Hereditary neoplastic syndrome. Identifiers: Orphanet 140162, MedGen C0027672, MeSH D009386, MONDO:0015356.
Ataxia-telangiectasia syndrome (AT). Also called: Cerebello-oculocutaneous telangiectasia; Immunodeficiency with ataxia telangiectasia; ATAXIA-TELANGIECTASIA, COMPLEMENTATION GROUP A; ATAXIA-TELANGIECTASIA, FRESNO VARIANT; Ataxia-telangiectasia; Ataxia-telangiectasia, complementation group D. Identifiers: Orphanet 100, MedGen C0004135, MONDO:0008840, OMIM 208900.
Familial cancer of breast. Also called: hereditary breast carcinoma; BREAST CANCER, FAMILIAL; Hereditary breast cancer. Identifiers: Orphanet 227535, MedGen C0346153, MONDO:0016419, OMIM 114480. Disease mechanism: loss of function.
ATM-related cancer predisposition. Also called: ATM-related cancer susceptibility. Identifiers: MedGen CN377759, MONDO:0700270.

Allele frequency attached by ClinVar (database versions not stated): TOPMed below 0.00001.
gnomAD v4.1: 1 of 1,613,794 alleles (0.000062%); highest among the groups gnomAD compares: South Asian, 0.0011%; no homozygotes.

Submissions (5):

Color Diagnostics, LLC DBA Color Health
Classification: Likely benign for Hereditary cancer-predisposing syndrome. Last evaluated: 2025-09-01. Review status: criteria provided, single submitter. Criteria: ACMG Guidelines, 2015. Collection method: clinical testing. Allele origin: germline.

Department of Pathology and Laboratory Medicine, Sinai Health System
Classification: Likely benign for ATM-related cancer predisposition. Last evaluated: 2024-08-07. Review status: criteria provided, single submitter. Criteria: ACMG Guidelines, 2015. Collection method: clinical testing. Allele origin: germline.

Labcorp Genetics (formerly Invitae), Labcorp
Classification: Likely benign for Ataxia-telangiectasia syndrome. Last evaluated: 2024-07-08. Review status: criteria provided, single submitter. Criteria: Invitae Variant Classification Sherloc (09022015). Collection method: clinical testing. Allele origin: germline.

Myriad Genetics, Inc.
Classification: Benign for Familial cancer of breast. Last evaluated: 2024-05-01. Review status: criteria provided, single submitter. Criteria: Myriad Autosomal Dominant, Autosomal Recessive and X-Linked Classification Criteria (2023). Collection method: clinical testing. Allele origin: unknown.
Comment: This variant is considered benign. This variant is a silent/synonymous amino acid change and it is not expected to impact splicing.

Ambry Genetics
Classification: Likely benign for Hereditary cancer-predisposing syndrome. Last evaluated: 2019-06-03. Review status: criteria provided, single submitter. Criteria: Ambry Variant Classification Scheme 2023. Collection method: clinical testing. Allele origin: germline.

NM_000051.4(ATM):c.1740C>G (p.Leu580=)

Gene: ATM (ATM serine/threonine kinase; plus strand). Cytogenetic location: 11q22.3.
Variant type: single nucleotide variant.
Coding change: c.1740C>G on transcript NM_000051.4 (MANE Select); coding-DNA position 1740, C replaced by G.
Protein change: p.Leu580=; no amino-acid change (leucine 580 retained).
Molecular consequence: synonymous variant.
Genome position (GRCh38, 1-based): chr11:108,251,969, C>G. VCF-style: chr11-108251969-C-G. GRCh37 (hg19) VCF-style: chr11-108122696-C-G.
Other names: c.1740C>G, p.Leu580= (NM_001351834.2).
Identifiers: ClinVar variation 819949 (VCV000819949.15), dbSNP rs1060504269, ClinGen allele CA476672159.
Genomic context (GRCh38, chr11:108,251,969, plus strand): 5'-GCAAAATATGTGTGAAGTAAATAGAAGCTTTTCTTTAAAGGAATCAATAATGAAATGGCT[C>G]TTATTCTATCAGTTAGAGGGTGACTTAGAAAATAGCACAGAAGTGCCTCCAATTCTTCAC-3'
Protein context (NP_000042.3, residues 570-590): FSLKESIMKW[Leu580=]LFYQLEGDLE